The following is an entry in ClinVar:

ClinVar aggregate classification (germline): Uncertain significance (1 of 4 stars; one submission).

Allele frequency attached by ClinVar (database versions not stated): gnomAD exomes below 0.00001.
gnomAD v4.1: 3 of 1,613,986 alleles (0.00019%); highest among the groups gnomAD compares: South Asian, 0.0011%; no homozygotes.

Submission:

Labcorp Genetics (formerly Invitae), Labcorp
Classification: Uncertain significance. Last evaluated: 2022-01-20. Review status: criteria provided, single submitter. Criteria: Invitae Variant Classification Sherloc (09022015). Collection method: clinical testing. Allele origin: germline.
Comment: This variant is not present in population databases (gnomAD no frequency). This sequence change replaces glutamic acid, which is acidic and polar, with glycine, which is neutral and non-polar, at codon 211 of the CSGALNACT1 protein (p.Glu211Gly). This variant has not been reported in the literature in individuals affected with CSGALNACT1-related conditions. Algorithms developed to predict the effect of missense changes on protein structure and function are either unavailable or do not agree on the potential impact of this missense change (SIFT: "Deleterious"; PolyPhen-2: "Possibly Damaging"; Align-GVGD: "Class C0"). In summary, the available evidence is currently insufficient to determine the role of this variant in disease. Therefore, it has been classified as a Variant of Uncertain Significance.

NM_001354483.2(CSGALNACT1):c.632A>G (p.Glu211Gly)

Gene: CSGALNACT1 (chondroitin sulfate N-acetylgalactosaminyltransferase 1; minus strand). Cytogenetic location: 8p21.3.
Variant type: single nucleotide variant.
Coding change: c.632A>G on transcript NM_001354483.2 (MANE Select); coding-DNA position 632, A replaced by G.
Protein change: p.Glu211Gly; replaces glutamic acid 211 with glycine.
Molecular consequence: missense variant. On other transcripts: non-coding transcript variant (7).
Genome position (GRCh38, 1-based): chr8:19,505,203, T>C on the plus strand (A>G on the coding strand, the complement: CSGALNACT1 is on the minus strand). VCF-style: chr8-19505203-T-C. GRCh37 (hg19) VCF-style: chr8-19362714-T-C.
Other names: c.632A>G, p.Glu211Gly (NM_001354477.2, NM_001354480.2, NM_001354481.2 and 18 more transcripts); short protein forms E211G.
Identifiers: ClinVar variation 2088285 (VCV002088285.4), dbSNP rs2077073323, ClinGen allele CA370460843.
Genomic context (GRCh38, chr8:19,505,203, plus strand): 5'-TGCCAGGAACCCCCAATTCCTTTTCTTCTCCTTTCCCCCCAATTCACAAAATGCTAACCT[T>C]CTATGAAATCAGAGGCCGTGTAAGGACGGTGATTGGGGCTGTTCTCTGCAGGACTGTTCA-3'
Protein context (NP_001341412.1, residues 201-221): HRPYTASDFI[Glu211Gly]GIYRTERDKG